The following is an entry in ClinVar:

ClinVar aggregate classification (germline): Benign/Likely benign. Review status: criteria provided, multiple submitters, no conflicts (2 of 4 stars). 17 submissions from 17 submitters: Benign (11); Likely benign (3). 3 of the submissions do not count toward it. Last evaluated 2026-02-04.

Conditions:
Dilated cardiomyopathy 3B (CMD3B). Also called: CMD3B: DMD-Related Dilated Cardiomyopathy; CARDIOMYOPATHY, DILATED, X-LINKED; DMD-Associated Dilated Cardiomyopathy. Identifiers: Orphanet 154, MedGen C3668940, MONDO:0010542, OMIM 302045.
Becker muscular dystrophy (BMD). Also called: Becker Muscular Dystrophy (BMD); MUSCULAR DYSTROPHY, PSEUDOHYPERTROPHIC PROGRESSIVE, BECKER TYPE. Identifiers: Orphanet 98895, MedGen C0917713, MONDO:0010311, OMIM 300376.
Duchenne muscular dystrophy (DMD). Also called: Duchenne Muscular Dystrophy (DMD); MUSCULAR DYSTROPHY, PSEUDOHYPERTROPHIC PROGRESSIVE, DUCHENNE TYPE. Identifiers: Orphanet 98896, MedGen C0013264, MONDO:0010679, OMIM 310200.
Cardiomyopathy (CMYO). Also called: Cardiomyopathies. Identifiers: Orphanet 167848, MedGen C0878544, MONDO:0004994, HP:0001638. Inheritance: Various modes of inheritance.
Dystrophin deficiency.
Cardiovascular phenotype. Identifiers: MedGen CN230736.

Allele frequency attached by ClinVar (database versions not stated): gnomAD exomes 0.00098 and 0.00287; ExAC 0.00381; gnomAD 0.01055 and 0.01098; 1000 Genomes Project 30x 0.01186; 1000 Genomes Project 0.01245; TOPMed 0.01247; ESP Exome Variant Server 0.01269.
gnomAD v4.1: 2,294 of 1,205,108 alleles (0.19%); highest among the groups gnomAD compares: African/African-American, 3.6%; 29 homozygotes.

Submissions (17):

Labcorp Genetics (formerly Invitae), Labcorp
Classification: Benign for Duchenne muscular dystrophy. Last evaluated: 2026-02-04. Review status: criteria provided, single submitter. Criteria: Invitae Variant Classification Sherloc (09022015). Collection method: clinical testing. Allele origin: germline.

Athena Diagnostics
Classification: Benign. Last evaluated: 2025-02-24. Review status: criteria provided, single submitter. Criteria: Athena Diagnostics Criteria. Collection method: clinical testing. Allele origin: unknown.
Comment: The frequency of this variant in the general population is higher than would generally be expected for pathogenic variants in this gene.

Mayo Clinic Laboratories, Mayo Clinic
Classification: Benign. Last evaluated: 2023-11-17. Review status: criteria provided, single submitter. Criteria: ACMG Guidelines, 2015. Collection method: clinical testing. Allele origin: germline. Observed: 10 variant alleles.
Comment: BS1, BS2

ARUP Laboratories, Molecular Genetics and Genomics, ARUP Laboratories
Classification: Benign. Last evaluated: 2023-09-21. Review status: criteria provided, single submitter. Criteria: ARUP Molecular Germline Variant Investigation Process 2024. Collection method: clinical testing. Allele origin: germline.

Fulgent Genetics
Classification: Likely benign for Becker muscular dystrophy; Dilated cardiomyopathy 3B; Duchenne muscular dystrophy. Last evaluated: 2022-01-21. Review status: criteria provided, single submitter. Criteria: ACMG Guidelines, 2015. Collection method: clinical testing. Allele origin: unknown.

Women's Health and Genetics/Laboratory Corporation of America, LabCorp
Classification: Benign. Last evaluated: 2021-05-23. Review status: criteria provided, single submitter. Criteria: LabCorp Variant Classification Summary - May 2015. Collection method: clinical testing. Allele origin: germline.
Comment: Variant summary: DMD c.1554T>A (p.Asp518Glu) results in a conservative amino acid change in the encoded protein sequence. Three of five in-silico tools predict a damaging effect of the variant on protein function. The variant allele was found at a frequency of 0.0029 in 183134 control chromosomes in the gnomAD database, including 9 homozygotes. The observed variant frequency is approximately 260 fold of the estimated maximal expected allele frequency for a pathogenic variant in DMD causing Dystrophinopathies phenotype (1.1e-05), strongly suggesting that the variant is benign. To our knowledge, no occurrence of c.1554T>A in individuals affected with Dystrophinopathies and no experimental evidence demonstrating its impact on protein function have been reported. Seven clinical diagnostic laboratories have submitted clinical-significance assessments for this variant to ClinVar after 2014 without evidence for independent evaluation. All laboratories classified the variant as benign/likely benign. Based on the evidence outlined above, the variant was classified as benign.

Molecular Diagnostic Laboratory for Inherited Cardiovascular Disease, Montreal Heart Institute
Classification: Likely benign. Last evaluated: 2019-04-11. Review status: criteria provided, single submitter. Criteria: ACMG Guidelines, 2015. Collection method: clinical testing. Allele origin: germline. Affected: yes.

Illumina Laboratory Services, Illumina
Classification: Benign for Dilated cardiomyopathy 3B. Last evaluated: 2018-01-13. Review status: criteria provided, single submitter. Criteria: ICSL Variant Classification Criteria 13 December 2019. Collection method: clinical testing. Allele origin: germline.
Comment: This variant was observed in the ICSL laboratory as part of a predisposition screen in an ostensibly healthy population. It had not been previously curated by ICSL or reported in the Human Gene Mutation Database (HGMD: prior to June 1st, 2018), and was therefore a candidate for classification through an automated scoring system. Utilizing variant allele frequency, disease prevalence and penetrance estimates, and inheritance mode, an automated score was calculated to assess if this variant is too frequent to cause the disease. Based on the score and internal cut-off values, a variant classified as benign is not then subjected to further curation. The score for this variant resulted in a classification of benign for this disease.

Center for Pediatric Genomic Medicine, Children's Mercy Hospital and Clinics
Classification: Benign. Last evaluated: 2016-01-11. Review status: criteria provided, single submitter. Criteria: ACMG Guidelines, 2015. Collection method: clinical testing. Allele origin: germline.

Ambry Genetics
Classification: Benign for Cardiovascular phenotype. Last evaluated: 2015-07-15. Review status: criteria provided, single submitter. Criteria: Ambry Variant Classification Scheme 2023. Collection method: clinical testing. Allele origin: germline.

GeneDx
Classification: Benign. Last evaluated: 2014-04-17. Review status: criteria provided, single submitter. Criteria: GeneDx Variant Classification (06012015). Collection method: clinical testing. Allele origin: germline. Affected: yes.
Comment: This variant is considered likely benign or benign based on one or more of the following criteria: it is a conservative change, it occurs at a poorly conserved position in the protein, it is predicted to be benign by multiple in silico algorithms, and/or has population frequency not consistent with disease.

Eurofins Ntd Llc (ga)
Classification: Benign. Last evaluated: 2013-10-04. Review status: criteria provided, single submitter. Criteria: EGL Classification Definitions 2015. Collection method: clinical testing. Allele origin: germline. Observed: 4 variant alleles, 2 heterozygotes, 2 hemizygotes.

Breakthrough Genomics
Classification: Likely benign. Review status: criteria provided, single submitter. Criteria: ACMG Guidelines, 2015. Collection method: not provided. Allele origin: germline. Inheritance: X-linked inheritance. Affected: yes.

PreventionGenetics, part of Exact Sciences
Classification: Benign. Review status: criteria provided, single submitter. Criteria: ACMG Guidelines, 2015. Collection method: clinical testing. Allele origin: germline.

Natera, Inc.
Classification: Likely benign for Becker muscular dystrophy; Cardiomyopathy; Duchenne muscular dystrophy; Dystrophin deficiency. Last evaluated: 2017-04-20. Review status: no assertion criteria provided. Collection method: clinical testing. Allele origin: germline. Not counted in ClinVar's aggregate classification.

Genome Diagnostics Laboratory, University Medical Center Utrecht
Classification: Benign. Review status: no assertion criteria provided. Collection method: clinical testing. Allele origin: germline. Affected: yes. Study: VKGL Data-share Consensus. Not counted in ClinVar's aggregate classification.

Laboratory of Diagnostic Genome Analysis, Leiden University Medical Center (LUMC)
Classification: Benign. Review status: no assertion criteria provided. Collection method: clinical testing. Allele origin: germline. Affected: yes. Study: VKGL Data-share Consensus. Not counted in ClinVar's aggregate classification.

Literature cited by the submitters: PubMed 18663755 (cited by Athena Diagnostics); PubMed 19937601 (cited by Athena Diagnostics); PubMed 28181471 (cited by Athena Diagnostics).

NM_004006.3(DMD):c.1554T>A (p.Asp518Glu)

Gene: DMD (dystrophin; minus strand). Cytogenetic location: Xp21.1.
Variant type: single nucleotide variant.
Coding change: c.1554T>A on transcript NM_004006.3 (MANE Select); coding-DNA position 1554, T replaced by A.
Protein change: p.Asp518Glu; replaces aspartic acid 518 with glutamic acid.
Molecular consequence: missense variant.
Genome position (GRCh38, 1-based): chrX:32,595,805, A>T on the plus strand (T>A on the coding strand, the complement: DMD is on the minus strand). VCF-style: chrX-32595805-A-T. GRCh37 (hg19) VCF-style: chrX-32613922-A-T.
Other names: p.D518E:GAT>GAA; c.1530T>A, p.Asp510Glu (NM_000109.4); c.1542T>A, p.Asp514Glu (NM_004009.3); c.1185T>A, p.Asp395Glu (NM_004010.3); short protein forms D510E, D514E, D395E.
Identifiers: ClinVar variation 94473 (VCV000094473.41), dbSNP rs61733587, ClinGen allele CA285526.